The following is an entry in ClinVar:

NM_001184880.2(PCDH19):c.2147+1G>A

Gene: PCDH19 (protocadherin 19; minus strand). Cytogenetic location: Xq22.1.
Variant type: single nucleotide variant.
Coding change: c.2147+1G>A on transcript NM_001184880.2 (MANE Select); the canonical splice donor site of the intron after coding-DNA position 2147, G replaced by A.
Molecular consequence: splice donor variant.
Genome position (GRCh38, 1-based): chrX:100,406,450, C>T on the plus strand (G>A on the coding strand, the complement: PCDH19 is on the minus strand). VCF-style: chrX-100406450-C-T. GRCh37 (hg19) VCF-style: chrX-99661448-C-T.
Other names: NC_000023.10:g.99661448C>T; c.2147+1G>A (NM_020766.3, NM_001105243.2).
Identifiers: ClinVar variation 489093 (VCV000489093.44), dbSNP rs1555984947, ClinGen allele CA414001174.

ClinVar aggregate classification (germline): Pathogenic. Review status: criteria provided, multiple submitters, no conflicts (2 of 4 stars). 2 submissions from 2 submitters: Pathogenic (2). Last evaluated 2019-08-01.

Submissions (3):

CeGaT Center for Human Genetics Tuebingen
Classification: Pathogenic. Last evaluated: 2019-08-01. Review status: criteria provided, single submitter. Criteria: CeGaT Center For Human Genetics Tuebingen Variant Classification Criteria Version 2. Collection method: clinical testing. Allele origin: germline. Affected: yes. Observed: 1 variant allele.

GeneDx
Classification: Pathogenic. Last evaluated: 2017-11-08. Review status: criteria provided, single submitter. Criteria: GeneDx Variant Classification (06012015). Collection method: clinical testing. Allele origin: germline. Affected: yes.
Comment: The c.2147+1 G>A pathogenic splice site variant in the PCDH19 gene destroys the canonical splice donor site in intron 1. It is predicted to cause abnormal gene splicing, either leading to an abnormal message that is subject to nonsense-mediated mRNA decay, or to an abnormal protein product if the message is used for protein translation. The c.2147+1 G>A variant is not observed in large population cohorts (Lek et al., 2016).

Dr. Peter K. Rogan Lab, Western University
No classification provided (evidence only). Condition: Nonpapillary renal cell carcinoma. Review status: no classification provided. Collection method: in vitro. Allele origin: not applicable. Functional consequence: retained intron. Not counted in ClinVar's aggregate classification.